The following is an entry in ClinVar:

NM_144596.4(TTC8):c.1124A>T (p.Gln375Leu)

Gene: TTC8 (tetratricopeptide repeat domain 8; plus strand). Cytogenetic location: 14q31.3.
Variant type: single nucleotide variant.
Coding change: c.1124A>T on transcript NM_144596.4 (MANE Select); coding-DNA position 1124, A replaced by T.
Protein change: p.Gln375Leu; replaces glutamine 375 with leucine.
Molecular consequence: missense variant. On other transcripts: non-coding transcript variant (1).
Genome position (GRCh38, 1-based): chr14:88,871,623, A>T. VCF-style: chr14-88871623-A-T. GRCh37 (hg19) VCF-style: chr14-89337967-A-T.
Other names: c.1172A>T, p.Gln391Leu (NM_001288781.1); c.530A>T, p.Gln177Leu (NM_001288782.1); c.407A>T, p.Gln136Leu (NM_001288783.1); c.1094A>T, p.Gln365Leu (NM_001366535.2, NM_198309.3); c.1004A>T, p.Gln335Leu (NM_001366536.2, NM_198310.3); short protein forms Q177L, Q136L, Q335L, Q391L, Q365L, Q375L.
Identifiers: ClinVar variation 4989219 (VCV004989219.1).

ClinVar aggregate classification (germline): Uncertain significance (1 of 4 stars; one submission).

Conditions:
TTC8-related disorder. Also called: TTC8-related condition.

gnomAD v4.1: 16 of 1,614,168 alleles (0.00099%); highest among the groups gnomAD compares: Non-Finnish European, 0.0014%; no homozygotes.

Submission:

PreventionGenetics, part of Exact Sciences
Classification: Uncertain significance for TTC8-related condition. Last evaluated: 2025-08-07. Review status: criteria provided, single submitter. Criteria: ACMG Guidelines, 2015. Collection method: clinical testing. Allele origin: germline.
Comment: The TTC8 c.1124A>T variant is predicted to result in the amino acid substitution p.Gln375Leu. To our knowledge, this variant has not been reported in the literature. This variant is reported in 0.00088% of alleles in individuals of European (Non-Finnish) descent in gnomAD. At this time, the clinical significance of this variant is uncertain due to the absence of conclusive functional and genetic evidence.